The following is an entry in ClinVar:

NM_024589.3(ROGDI):c.344A>G (p.Asp115Gly)

Gene: ROGDI (rogdi atypical leucine zipper; minus strand). Cytogenetic location: 16p13.3.
Variant type: single nucleotide variant.
Coding change: c.344A>G on transcript NM_024589.3 (MANE Select); coding-DNA position 344, A replaced by G.
Protein change: p.Asp115Gly; replaces aspartic acid 115 with glycine.
Molecular consequence: missense variant. On other transcripts: non-coding transcript variant (1).
Genome position (GRCh38, 1-based): chr16:4,799,774, T>C on the plus strand (A>G on the coding strand, the complement: ROGDI is on the minus strand). VCF-style: chr16-4799774-T-C. GRCh37 (hg19) VCF-style: chr16-4849775-T-C.
Other names: short protein forms D115G.
Identifiers: ClinVar variation 461609 (VCV000461609.9), dbSNP rs771509465, ClinGen allele CA7882768.

ClinVar aggregate classification (germline): Uncertain significance. Review status: criteria provided, multiple submitters, no conflicts (2 of 4 stars). 2 submissions from 2 submitters: Uncertain significance (2). Last evaluated 2022-10-14.

Conditions:
Amelocerebrohypohidrotic syndrome (KTZS). Also called: Kohlschutter's syndrome; EPILEPSY AND YELLOW TEETH; EPILEPSY, DEMENTIA, AND AMELOGENESIS IMPERFECTA; KOHLSCHUTTER SYNDROME. Identifiers: Orphanet 1946, MedGen C0406740, MONDO:0009185, OMIM 226750.

Allele frequency attached by ClinVar (database versions not stated): gnomAD 0.00001; TOPMed 0.00003; gnomAD exomes 0.00004 and 0.00006; ExAC 0.00005.
gnomAD v4.1: 62 of 1,613,138 alleles (0.0038%); highest among the groups gnomAD compares: Admixed American, 0.025%; no homozygotes.

Submissions (2):

Labcorp Genetics (formerly Invitae), Labcorp
Classification: Uncertain significance for Amelocerebrohypohidrotic syndrome. Last evaluated: 2022-10-14. Review status: criteria provided, single submitter. Criteria: Invitae Variant Classification Sherloc (09022015). Collection method: clinical testing. Allele origin: germline.
Comment: This sequence change replaces aspartic acid, which is acidic and polar, with glycine, which is neutral and non-polar, at codon 115 of the ROGDI protein (p.Asp115Gly). This variant is present in population databases (rs771509465, gnomAD 0.03%). This variant has not been reported in the literature in individuals affected with ROGDI-related conditions. ClinVar contains an entry for this variant (Variation ID: 461609). Algorithms developed to predict the effect of missense changes on protein structure and function (SIFT, PolyPhen-2, Align-GVGD) all suggest that this variant is likely to be disruptive. In summary, the available evidence is currently insufficient to determine the role of this variant in disease. Therefore, it has been classified as a Variant of Uncertain Significance.

Blueprint Genetics
Classification: Uncertain significance. Last evaluated: 2022-06-24. Review status: criteria provided, single submitter. Criteria: ACMG Guidelines, 2015. Collection method: clinical testing. Allele origin: germline.